The following is an entry in ClinVar:

ClinVar aggregate classification (germline): Likely benign. Review status: criteria provided, multiple submitters, no conflicts (2 of 4 stars). 5 submissions from 5 submitters: Likely benign (4). 1 of the submissions does not count toward it. Last evaluated 2025-11-01.

Conditions:
LRP1B-related disorder. Also called: LRP1B-related condition.

Allele frequency attached by ClinVar (database versions not stated): gnomAD 0.00453 and 0.00441; TOPMed 0.00461; gnomAD exomes 0.00563 and 0.00607; 1000 Genomes Project 0.00200; 1000 Genomes Project 30x 0.00219; ESP Exome Variant Server 0.00346; ExAC 0.00630.
gnomAD v4.1: 9,576 of 1,612,564 alleles (0.59%); highest among the groups gnomAD compares: Middle Eastern, 0.84%; 48 homozygotes.

Submissions (5):

CeGaT Center for Human Genetics Tuebingen
Classification: Likely benign. Last evaluated: 2025-11-01. Review status: criteria provided, single submitter. Criteria: CeGaT Center For Human Genetics Tuebingen Variant Classification Criteria Version 2. Collection method: clinical testing. Allele origin: germline. Affected: yes. Observed: 7 variant alleles.
Comment: LRP1B: BP4, BS2

Genomic Medicine Center of Excellence, King Faisal Specialist Hospital and Research Centre
Classification: Likely benign. Last evaluated: 2025-08-18. Review status: criteria provided, single submitter. Criteria: ACMG Guidelines, 2015. Collection method: clinical testing. Allele origin: germline.

Labcorp Genetics (formerly Invitae), Labcorp
Classification: Likely benign. Last evaluated: 2019-12-31. Review status: criteria provided, single submitter. Criteria: Invitae Variant Classification Sherloc (09022015). Collection method: clinical testing. Allele origin: germline.

Breakthrough Genomics
Classification: Likely benign. Review status: criteria provided, single submitter. Criteria: ACMG Guidelines, 2015. Collection method: not provided. Allele origin: germline. Inheritance: Unknown mechanism. Affected: yes.

PreventionGenetics, part of Exact Sciences
Classification: Benign for LRP1B-related condition. Last evaluated: 2019-03-06. Review status: no assertion criteria provided. Collection method: clinical testing. Allele origin: germline. Not counted in ClinVar's aggregate classification.
Comment: This variant is classified as benign based on ACMG/AMP sequence variant interpretation guidelines (Richards et al. 2015 PMID: 25741868, with internal and published modifications).

NM_018557.3(LRP1B):c.13114A>T (p.Asn4372Tyr)

Gene: LRP1B (LDL receptor related protein 1B; minus strand). Cytogenetic location: 2q22.1.
Variant type: single nucleotide variant.
Coding change: c.13114A>T on transcript NM_018557.3 (MANE Select); coding-DNA position 13114, A replaced by T.
Protein change: p.Asn4372Tyr; replaces asparagine 4372 with tyrosine.
Molecular consequence: missense variant.
Genome position (GRCh38, 1-based): chr2:140,274,452, T>A on the plus strand (A>T on the coding strand, the complement: LRP1B is on the minus strand). VCF-style: chr2-140274452-T-A. GRCh37 (hg19) VCF-style: chr2-141032021-T-A.
Other names: short protein forms N4372Y.
Identifiers: ClinVar variation 772849 (VCV000772849.30), dbSNP rs149644677, ClinGen allele CA1892627.